The following is an entry in ClinVar:

NM_000195.5(HPS1):c.1498C>T (p.Gln500Ter)

Gene: HPS1 (HPS1 biogenesis of lysosomal organelles complex 3 subunit 1; minus strand). Cytogenetic location: 10q24.2.
Variant type: single nucleotide variant.
Coding change: c.1498C>T on transcript NM_000195.5 (MANE Select); coding-DNA position 1498, C replaced by T.
Protein change: p.Gln500Ter; replaces glutamine 500 with a stop codon.
Molecular consequence: nonsense.
Genome position (GRCh38, 1-based): chr10:98,423,787, G>A on the plus strand (C>T on the coding strand, the complement: HPS1 is on the minus strand). VCF-style: chr10-98423787-G-A. GRCh37 (hg19) VCF-style: chr10-100183544-G-A.
Other names: c.526C>T, p.Gln176Ter (NM_001311345.2, NM_001322487.2, NM_001322489.2); c.1498C>T, p.Gln500Ter (NM_001322476.2, NM_001322477.2); c.1399C>T, p.Gln467Ter (NM_001322478.2, NM_001322479.2); c.1237C>T, p.Gln413Ter (NM_001322480.2, NM_001322481.2); c.1138C>T, p.Gln380Ter (NM_001322482.2); c.1129C>T, p.Gln377Ter (NM_001322483.2, NM_001322484.2); c.1030C>T, p.Gln344Ter (NM_001322485.2); short protein forms Q344*, Q467*, Q176*, Q377*, Q380*, Q413*, Q500*.
Identifiers: ClinVar variation 2842739 (VCV002842739.3), dbSNP rs2538809700, ClinGen allele CA378045853.
Genomic context (GRCh38, chr10:98,423,787, plus strand): 5'-CACCCAGGGGGCCGCACTGCACTTACCGCATGAGCCTCTGCACTTGGTCCTGCAGGTGCT[G>A]GGGCAGGTGTGGGCCTCCCCTGCTGGGGGCTGTGGTCAGAAAGTTCAGCCGGTAGATGGC-3'

ClinVar aggregate classification (germline): Pathogenic (1 of 4 stars; one submission).

Allele frequency attached by ClinVar (database versions not stated): gnomAD exomes below 0.00001.
gnomAD v4.1: 1 of 1,614,004 alleles (0.000062%); highest among the groups gnomAD compares: Non-Finnish European, 0.000085%; no homozygotes.

Submission:

Labcorp Genetics (formerly Invitae), Labcorp
Classification: Pathogenic. Last evaluated: 2023-03-03. Review status: criteria provided, single submitter. Criteria: Invitae Variant Classification Sherloc (09022015). Collection method: clinical testing. Allele origin: germline.
Comment: For these reasons, this variant has been classified as Pathogenic. This variant has not been reported in the literature in individuals affected with HPS1-related conditions. This sequence change creates a premature translational stop signal (p.Gln500*) in the HPS1 gene. It is expected to result in an absent or disrupted protein product. Loss-of-function variants in HPS1 are known to be pathogenic (PMID: 12442288, 16185271). This variant is not present in population databases (gnomAD no frequency).

Literature cited by the submitters: PubMed 12442288; PubMed 16185271.